The following is an entry in ClinVar:

ClinVar aggregate classification (germline): Uncertain significance (1 of 4 stars; one submission).

Allele frequency attached by ClinVar (database versions not stated): gnomAD exomes 0.00003.
gnomAD v4.1: 46 of 1,614,070 alleles (0.0028%); highest among the groups gnomAD compares: Non-Finnish European, 0.0039%; no homozygotes.

Submission:

Labcorp Genetics (formerly Invitae), Labcorp
Classification: Uncertain significance. Last evaluated: 2023-04-13. Review status: criteria provided, single submitter. Criteria: Invitae Variant Classification Sherloc (09022015). Collection method: clinical testing. Allele origin: germline.
Comment: In summary, the available evidence is currently insufficient to determine the role of this variant in disease. Therefore, it has been classified as a Variant of Uncertain Significance. An algorithm developed to predict the effect of missense changes on protein structure and function (PolyPhen-2) suggests that this variant is likely to be tolerated. This variant has not been reported in the literature in individuals affected with TFAP2A-related conditions. This variant is present in population databases (no rsID available, gnomAD 0.0009%). This sequence change replaces proline, which is neutral and non-polar, with serine, which is neutral and polar, at codon 179 of the TFAP2A protein (p.Pro179Ser).

NM_001372066.1(TFAP2A):c.541C>T (p.Pro181Ser)

Genes: TFAP2A (transcription factor AP-2 alpha; minus strand), TFAP2A-AS2 (TFAP2A antisense RNA 2; plus strand), LOC121740638 (BRD4-independent group 4 enhancer GRCh37_chr6:10403277-10404476; plus strand). Cytogenetic location: 6p24.3.
Variant type: single nucleotide variant.
Coding change: c.541C>T on transcript NM_001372066.1 (MANE Select); coding-DNA position 541, C replaced by T.
Protein change: p.Pro181Ser; replaces proline 181 with serine.
Molecular consequence: missense variant. On other transcripts: non-coding transcript variant (1).
Genome position (GRCh38, 1-based): chr6:10,404,737, G>A on the plus strand (C>T on the coding strand, the complement: TFAP2A is on the minus strand). VCF-style: chr6-10404737-G-A. GRCh37 (hg19) VCF-style: chr6-10404970-G-A.
Other names: c.517C>T, p.Pro173Ser (NM_001032280.3); c.523C>T, p.Pro175Ser (NM_001042425.3); short protein forms P173S, P181S, P175S.
Identifiers: ClinVar variation 2967792 (VCV002967792.3), dbSNP rs1443522039, ClinGen allele CA362701967.